The following is an entry in ClinVar:

NM_004371.4(COPA):c.2486G>A (p.Gly829Glu)

Gene: COPA (coat protein complex I subunit alpha; minus strand). Cytogenetic location: 1q23.2.
Variant type: single nucleotide variant.
Coding change: c.2486G>A on transcript NM_004371.4 (MANE Select); coding-DNA position 2486, G replaced by A.
Protein change: p.Gly829Glu; replaces glycine 829 with glutamic acid.
Molecular consequence: missense variant.
Genome position (GRCh38, 1-based): chr1:160,294,848, C>T on the plus strand (G>A on the coding strand, the complement: COPA is on the minus strand). VCF-style: chr1-160294848-C-T. GRCh37 (hg19) VCF-style: chr1-160264638-C-T.
Other names: c.2513G>A, p.Gly838Glu (NM_001098398.2); short protein forms G829E, G838E.
Identifiers: ClinVar variation 2873678 (VCV002873678.3), dbSNP rs2525357612, ClinGen allele CA343276138.
Genomic context (GRCh38, chr1:160,294,848, plus strand): 5'-GCATCCTCTCCCCAGCCCTCTGTACCAACAGTGTCAATGTCAATGTCAGCAGCCAGTGCT[C>T]CTCCCTTCCCTACAGAGGGAAGGAACAGAACGGAACTGGTTATAGTCCAGCAAGTCTGAG-3'
Protein context (NP_004362.2, residues 819-839): EGTIASKGKG[Gly829Glu]ALAADIDIDT

ClinVar aggregate classification (germline): Uncertain significance (1 of 4 stars; one submission).

Conditions:
Autoimmune interstitial lung disease-arthritis syndrome. Also called: Autoinflammation and autoimmunity, systemic, with immune dysregulation. Identifiers: Orphanet 444092, MedGen C5975714, MONDO:0014629.

Allele frequency attached by ClinVar (database versions not stated): gnomAD exomes below 0.00001.
gnomAD v4.1: 7 of 1,614,130 alleles (0.00043%); highest among the groups gnomAD compares: Non-Finnish European, 0.00059%; no homozygotes.

Submission:

Labcorp Genetics (formerly Invitae), Labcorp
Classification: Uncertain significance for Autoimmune interstitial lung disease-arthritis syndrome. Last evaluated: 2023-12-28. Review status: criteria provided, single submitter. Criteria: Invitae Variant Classification Sherloc (09022015). Collection method: clinical testing. Allele origin: germline.
Comment: This sequence change replaces glycine, which is neutral and non-polar, with glutamic acid, which is acidic and polar, at codon 829 of the COPA protein (p.Gly829Glu). This variant is not present in population databases (gnomAD no frequency). This variant has not been reported in the literature in individuals affected with COPA-related conditions. Advanced modeling of protein sequence and biophysical properties (such as structural, functional, and spatial information, amino acid conservation, physicochemical variation, residue mobility, and thermodynamic stability) performed at Invitae indicates that this missense variant is not expected to disrupt COPA protein function with a negative predictive value of 80%. In summary, the available evidence is currently insufficient to determine the role of this variant in disease. Therefore, it has been classified as a Variant of Uncertain Significance.